The following is an entry in ClinVar:

ClinVar aggregate classification (germline): Uncertain significance. Review status: criteria provided, multiple submitters, no conflicts (2 of 4 stars). 3 submissions from 3 submitters: Uncertain significance (3). Last evaluated 2025-12-25.

Conditions:
Inborn genetic diseases. Identifiers: MedGen C0950123, MeSH D030342.

Allele frequency attached by ClinVar (database versions not stated): gnomAD exomes 0.00004 and 0.00011; ExAC 0.00014; gnomAD 0.00032 and 0.00034; ESP Exome Variant Server 0.00038; TOPMed 0.00040; 1000 Genomes Project 30x 0.00094; 1000 Genomes Project 0.00100.
gnomAD v4.1: 102 of 1,611,764 alleles (0.0063%); highest among the groups gnomAD compares: African/African-American, 0.12%; no homozygotes.

Submissions (3):

Labcorp Genetics (formerly Invitae), Labcorp
Classification: Uncertain significance. Last evaluated: 2025-12-25. Review status: criteria provided, single submitter. Criteria: Invitae Variant Classification Sherloc (09022015). Collection method: clinical testing. Allele origin: germline.
Comment: This sequence change replaces histidine, which is basic and polar, with tyrosine, which is neutral and polar, at codon 1403 of the CENPF protein (p.His1403Tyr). This variant is present in population databases (rs146731847, gnomAD 0.1%). This variant has not been reported in the literature in individuals affected with CENPF-related conditions. ClinVar contains an entry for this variant (Variation ID: 1436129). An algorithm developed to predict the effect of missense changes on protein structure and function (PolyPhen-2) suggests that this variant is likely to be tolerated. In summary, the available evidence is currently insufficient to determine the role of this variant in disease. Therefore, it has been classified as a Variant of Uncertain Significance.

GeneDx
Classification: Uncertain significance. Last evaluated: 2024-05-23. Review status: criteria provided, single submitter. Criteria: GeneDx Variant Classification Process June 2021. Collection method: clinical testing. Allele origin: germline. Affected: yes.
Comment: In silico analysis supports that this missense variant has a deleterious effect on protein structure/function; Has not been previously published as pathogenic or benign to our knowledge

Ambry Genetics
Classification: Uncertain significance for Inborn genetic diseases. Last evaluated: 2021-08-02. Review status: criteria provided, single submitter. Criteria: Ambry Variant Classification Scheme 2023. Collection method: clinical testing. Allele origin: germline.

NM_016343.4(CENPF):c.4207C>T (p.His1403Tyr)

Gene: CENPF (centromere protein F; plus strand). Cytogenetic location: 1q41.
Variant type: single nucleotide variant.
Coding change: c.4207C>T on transcript NM_016343.4 (MANE Select); coding-DNA position 4207, C replaced by T.
Protein change: p.His1403Tyr; replaces histidine 1403 with tyrosine.
Molecular consequence: missense variant.
Genome position (GRCh38, 1-based): chr1:214,642,545, C>T. VCF-style: chr1-214642545-C-T. GRCh37 (hg19) VCF-style: chr1-214815888-C-T.
Other names: c.4207C>T (NM_016343.3); short protein forms H1403Y.
Identifiers: ClinVar variation 1436129 (VCV001436129.10), dbSNP rs146731847, ClinGen allele CA1390553.
Genomic context (GRCh38, chr1:214,642,545, plus strand): 5'-CCATTGGACGAGAGTAATTCCTACGAGCACTTGACATTGTCAGACAAAGAAGTTCAAATG[C>T]ACTTTGCCGAATTGCAAGAGAAATTCTTATCTTTACAAAGTGAACACAAAATTTTACATG-3'
Protein context (NP_057427.3, residues 1393-1413): LTLSDKEVQM[His1403Tyr]FAELQEKFLS